The following is an entry in ClinVar:

NM_001009944.3(PKD1):c.12237C>G (p.Ser4079=)

Gene: PKD1 (polycystin 1, transient receptor potential channel interacting; minus strand). Cytogenetic location: 16p13.3.
Variant type: single nucleotide variant.
Coding change: c.12237C>G on transcript NM_001009944.3 (MANE Select); coding-DNA position 12237, C replaced by G.
Protein change: p.Ser4079=; no amino-acid change (serine 4079 retained).
Molecular consequence: synonymous variant.
Genome position (GRCh38, 1-based): chr16:2,090,492, G>C on the plus strand (C>G on the coding strand, the complement: PKD1 is on the minus strand). VCF-style: chr16-2090492-G-C. GRCh37 (hg19) VCF-style: chr16-2140493-G-C.
Other names: c.12234C>G, p.Ser4078= (NM_000296.4).
Identifiers: ClinVar variation 3036046 (VCV003036046.2), dbSNP rs372534935, ClinGen allele CA7828712.
Genomic context (GRCh38, chr16:2,090,492, plus strand): 5'-TAGGGCGCCCCACAGCCGCAGTGCCCAGAGCCCCACACACAGCAGGGGTGACAGGTGCCA[G>C]GACTCGGCAGGACACAGGGTAGAGAGCCCAGTCCCAGGGCACAGCACCAACAGGGCCTGG-3'
Protein context (NP_001009944.3, residues 4069-4089): TGLSTLCPAE[Ser4079=]WHLSPLLCVG

ClinVar aggregate classification (germline): Likely benign (0 of 4 stars; one submission).

Conditions:
PKD1-related disorder. Also called: PKD1-related condition.

gnomAD v4.1: 10 of 1,611,592 alleles (0.00062%); highest among the groups gnomAD compares: African/African-American, 0.012%; no homozygotes.

Submission:

PreventionGenetics, part of Exact Sciences
Classification: Likely benign for PKD1-related condition. Last evaluated: 2020-07-29. Review status: no assertion criteria provided. Collection method: clinical testing. Allele origin: germline.
Comment: This variant is classified as likely benign based on ACMG/AMP sequence variant interpretation guidelines (Richards et al. 2015 PMID: 25741868, with internal and published modifications).